The following is an entry in ClinVar:

ClinVar aggregate classification (germline): Likely pathogenic (1 of 4 stars; one submission).

Conditions:
Leber congenital amaurosis 1 (LCA1). Also called: AMAUROSIS CONGENITA OF LEBER I; RETINAL BLINDNESS, CONGENITAL; Congenital absence of the rods and cones; Leber's congenital tapetoretinal degeneration; Leber's congenital tapetoretinal dysplasia. Identifiers: Orphanet 65, MedGen C2931258, MONDO:0008764, OMIM 204000.
Cone-rod dystrophy 6 (CORD6). Also called: RETINAL CONE DYSTROPHY 2; Cone dystrophy progressive. Identifiers: Orphanet 1872, MedGen C1866293, MONDO:0011143, OMIM 601777.

Submission:

Labcorp Genetics (formerly Invitae), Labcorp
Classification: Likely pathogenic for Leber congenital amaurosis 1; Cone-rod dystrophy 6. Last evaluated: 2022-05-07. Review status: criteria provided, single submitter. Criteria: Invitae Variant Classification Sherloc (09022015). Collection method: clinical testing. Allele origin: germline.
Comment: Algorithms developed to predict the effect of sequence changes on RNA splicing suggest that this variant may disrupt the consensus splice site. In summary, the currently available evidence indicates that the variant is pathogenic, but additional data are needed to prove that conclusively. Therefore, this variant has been classified as Likely Pathogenic. This variant has not been reported in the literature in individuals affected with GUCY2D-related conditions. This sequence change affects an acceptor splice site in intron 11 of the GUCY2D gene. It is expected to disrupt RNA splicing. Variants that disrupt the donor or acceptor splice site typically lead to a loss of protein function (PMID: 16199547), and loss-of-function variants in GUCY2D are known to be pathogenic (PMID: 10951519, 11328726). This variant is not present in population databases (gnomAD no frequency).

Literature cited by the submitters: PubMed 16199547; PubMed 10951519; PubMed 11328726.

NM_000180.4(GUCY2D):c.2264-1G>A

Gene: GUCY2D (guanylate cyclase 2D, retinal; plus strand). Cytogenetic location: 17p13.1.
Variant type: single nucleotide variant.
Coding change: c.2264-1G>A on transcript NM_000180.4 (MANE Select); the canonical splice acceptor site of the intron before coding-DNA position 2264, G replaced by A.
Molecular consequence: splice acceptor variant.
Genome position (GRCh38, 1-based): chr17:8,013,879, G>A. VCF-style: chr17-8013879-G-A. GRCh37 (hg19) VCF-style: chr17-7917197-G-A.
Identifiers: ClinVar variation 2135119 (VCV002135119.4), dbSNP rs2545425310, ClinGen allele CA397953050.